The following is an entry in ClinVar:

NM_014804.3(KIAA0753):c.1231A>G (p.Lys411Glu)

Gene: KIAA0753 (KIAA0753; minus strand). Cytogenetic location: 17p13.1.
Variant type: single nucleotide variant.
Coding change: c.1231A>G on transcript NM_014804.3 (MANE Select); coding-DNA position 1231, A replaced by G.
Protein change: p.Lys411Glu; replaces lysine 411 with glutamic acid.
Molecular consequence: missense variant. On other transcripts: non-coding transcript variant (3).
Genome position (GRCh38, 1-based): chr17:6,620,872, T>C on the plus strand (A>G on the coding strand, the complement: KIAA0753 is on the minus strand). VCF-style: chr17-6620872-T-C. GRCh37 (hg19) VCF-style: chr17-6524192-T-C.
Other names: c.334A>G, p.Lys112Glu (NM_001351225.2); short protein forms K411E, K112E.
Identifiers: ClinVar variation 2248095 (VCV002248095.4), dbSNP rs757867054, ClinGen allele CA8330555.

ClinVar aggregate classification (germline): Uncertain significance. Review status: criteria provided, multiple submitters, no conflicts (2 of 4 stars). 2 submissions from 2 submitters: Uncertain significance (2). Last evaluated 2024-11-15.

Conditions:
Inborn genetic diseases. Identifiers: MedGen C0950123, MeSH D030342.

Allele frequency attached by ClinVar (database versions not stated): ExAC 0.00002; TOPMed 0.00002; gnomAD 0.00005; gnomAD exomes 0.00005.
gnomAD v4.1: 86 of 1,614,094 alleles (0.0053%); highest among the groups gnomAD compares: Non-Finnish European, 0.0061%; no homozygotes.

Submissions (2):

Labcorp Genetics (formerly Invitae), Labcorp
Classification: Uncertain significance. Last evaluated: 2024-11-15. Review status: criteria provided, single submitter. Criteria: Invitae Variant Classification Sherloc (09022015). Collection method: clinical testing. Allele origin: germline.
Comment: This sequence change replaces lysine, which is basic and polar, with glutamic acid, which is acidic and polar, at codon 411 of the KIAA0753 protein (p.Lys411Glu). This variant is present in population databases (rs757867054, gnomAD 0.008%). This variant has not been reported in the literature in individuals affected with KIAA0753-related conditions. ClinVar contains an entry for this variant (Variation ID: 2248095). An algorithm developed to predict the effect of missense changes on protein structure and function (PolyPhen-2) suggests that this variant is likely to be tolerated. In summary, the available evidence is currently insufficient to determine the role of this variant in disease. Therefore, it has been classified as a Variant of Uncertain Significance.

Ambry Genetics
Classification: Uncertain significance for Inborn genetic diseases. Last evaluated: 2022-10-26. Review status: criteria provided, single submitter. Criteria: Ambry Variant Classification Scheme 2023. Collection method: clinical testing. Allele origin: germline.